The following is an entry in ClinVar:

NM_194248.3(OTOF):c.2610_2615dup (p.Leu870_Leu871dup)

Gene: OTOF (otoferlin; minus strand). Cytogenetic location: 2p23.3.
Variant type: Duplication.
Coding change: c.2610_2615dup on transcript NM_194248.3 (MANE Select); coding-DNA positions 2610 to 2615, 6 bases duplicated (GCTCTT; older notation c.2610_2615dupGCTCTT).
Protein change: p.Leu870_Leu871dup.
Molecular consequence: inframe insertion.
Genome position (GRCh38, 1-based): chr2:26,476,952-26,476,957, AAGAGC duplicated on the plus strand (GCTCTT on the coding strand, the reverse complement: OTOF is on the minus strand); duplicating any 6 consecutive bases within chr2:26,476,952-26,476,958 gives the same sequence; the c. name uses the placement nearest the transcript's 3' end. VCF-style (leftmost placement, unchanged base first): chr2-26476951-G-GAAGAGC. GRCh37 (hg19) VCF-style: chr2-26699819-G-GAAGAGC.
Other names: c.2610_2615dup, p.Leu870_Leu871dup (NM_001287489.2); c.369_374dup, p.Leu123_Leu124dup (NM_004802.4, NM_194323.3); c.540_545dup, p.Leu180_Leu181dup (NM_194322.3); c.2615_2616insGCTCTT (NM_001287489.2).
Identifiers: ClinVar variation 1185101 (VCV001185101.5), dbSNP rs2148050495, ClinGen allele CA2573051913.

ClinVar aggregate classification (germline): Conflicting classifications of pathogenicity. Review status: criteria provided, conflicting classifications (1 of 4 stars). 4 submissions from 3 submitters: Likely pathogenic (1); Uncertain significance (1). 2 of the submissions do not count toward it. Last evaluated 2023-12-22.

Conditions:
Autosomal recessive nonsyndromic hearing loss 9. Also called: Deafness, autosomal recessive 9; OTOF-Related Hearing Loss; AUDITORY NEUROPATHY, AUTOSOMAL RECESSIVE, 1, TEMPERATURE-SENSITIVE; NEUROSENSORY NONSYNDROMIC RECESSIVE DEAFNESS 9. Identifiers: Orphanet 90636, MedGen C1832828, MONDO:0010986, OMIM 601071.
Auditory neuropathy. Identifiers: MedGen C1852271, MONDO:0021944.

Submissions (4):

WangQJ Lab, Chinese People's Liberation Army General Hospital
Classification: Likely pathogenic for Auditory neuropathy. Last evaluated: 2023-12-22. Review status: criteria provided, single submitter. Criteria: Submitter's publication. Collection method: research. Allele origin: germline. Affected: yes. Observed: 1 variant allele.

Juno Genomics, Hangzhou Juno Genomics, Inc
Classification: Uncertain significance for Autosomal recessive nonsyndromic hearing loss 9. Review status: criteria provided, single submitter. Criteria: ACMG Guidelines, 2015. Collection method: clinical testing. Allele origin: germline.
Comment: Absent from controls (or at extremely low frequency if recessive) in Genome Aggregation Database.;Protein length changes due to in-frame deletions/insertions in a non-repeat region or stop-loss variants.;For recessive disorders, detected in trans with a pathogenic variant.

Diagnosis and Treatment Center of Genetic Hearing Loss, Eye & ENT Hospital of Fudan University
Classification: Pathogenic for Autosomal recessive nonsyndromic hearing loss 9. Last evaluated: 2026-02-04. Review status: no assertion criteria provided. Collection method: clinical testing. Allele origin: germline. Inheritance: Autosomal recessive inheritance. Affected: yes. Clinical features observed: hearing loss. Not counted in ClinVar's aggregate classification.
Comment: The c.2610_2615dup in‑frame insertion in OTOF is absent from population databases (PM2_Supporting). It has been identified in at least four patients: three in trans with a second pathogenic/likely pathogenic variant (c.[2610_2615dup];[5197G>A], c.[2610_2615dup];[exon46del], c.[2610_2615dup];[5000C>A]) and one homozygous; It results in a protein length change (PM4). The phenotype is consistent with auditory neuropathy (PP4). (PMID: 34416374)

WangQJ Lab, Chinese People's Liberation Army General Hospital
Classification: Likely pathogenic for Autosomal recessive nonsyndromic hearing loss 9. Last evaluated: 2021-07-01. Review status: no assertion criteria provided. Collection method: clinical testing. Allele origin: maternal. Affected: yes. Not counted in ClinVar's aggregate classification.

Literature cited by the submitters: PubMed 34416374 (cited by Diagnosis and Treatment Center of Genetic Hearing Loss, Eye & ENT Hospital of Fudan University).